The following is an entry in ClinVar:

NM_000051.4(ATM):c.6369T>A (p.Ser2123Arg)

Genes: ATM (ATM serine/threonine kinase; plus strand), C11orf65 (chromosome 11 open reading frame 65; minus strand). Cytogenetic location: 11q22.3.
Variant type: single nucleotide variant.
Coding change: c.6369T>A on transcript NM_000051.4 (MANE Select); coding-DNA position 6369, T replaced by A.
Protein change: p.Ser2123Arg; replaces serine 2123 with arginine.
Molecular consequence: missense variant. On other transcripts: intron variant (2).
Genome position (GRCh38, 1-based): chr11:108,319,975, T>A. VCF-style: chr11-108319975-T-A. GRCh37 (hg19) VCF-style: chr11-108190702-T-A.
Other names: c.*39-10904A>T (NM_001351110.2); c.6369T>A, p.Ser2123Arg (NM_001351834.2); c.641-10904A>T (NM_001330368.2); short protein forms S2123R.
Identifiers: ClinVar variation 4827592 (VCV004827592.1).

ClinVar aggregate classification (germline): Uncertain significance (1 of 4 stars; one submission).

Conditions:
Hereditary cancer-predisposing syndrome. Also called: Tumor predisposition; Hereditary neoplastic syndrome; Hereditary Cancer Syndrome; Neoplastic Syndromes, Hereditary. Identifiers: Orphanet 140162, MedGen C0027672, MeSH D009386, MONDO:0015356.

Submission:

Ambry Genetics
Classification: Uncertain significance for Hereditary cancer-predisposing syndrome. Last evaluated: 2026-03-02. Review status: criteria provided, single submitter. Criteria: Ambry Variant Classification Scheme 2023. Collection method: clinical testing. Allele origin: germline.
Comment: The p.S2123R variant (also known as c.6369T>A), located in coding exon 43 of the ATM gene, results from a T to A substitution at nucleotide position 6369. The serine at codon 2123 is replaced by arginine, an amino acid with dissimilar properties. This amino acid position is conserved. In addition, this alteration is predicted to be tolerated by in silico analysis. Based on the available evidence, the clinical significance of this variant remains unclear.